The following is an entry in ClinVar:

NM_001039591.3(USP9X):c.1369G>A (p.Ala457Thr)

Gene: USP9X (ubiquitin specific peptidase 9 X-linked; plus strand). Cytogenetic location: Xp11.4.
Variant type: single nucleotide variant.
Coding change: c.1369G>A on transcript NM_001039591.3 (MANE Select); coding-DNA position 1369, G replaced by A.
Protein change: p.Ala457Thr; replaces alanine 457 with threonine.
Molecular consequence: missense variant.
Genome position (GRCh38, 1-based): chrX:41,144,576, G>A. VCF-style: chrX-41144576-G-A. GRCh37 (hg19) VCF-style: chrX-41003829-G-A.
Other names: c.1369G>A, p.Ala457Thr (NM_001039590.3, NM_001410748.1, NM_001410749.1 and 1 more transcripts); short protein forms A457T.
Identifiers: ClinVar variation 4540430 (VCV004540430.1).

ClinVar aggregate classification (germline): Uncertain significance (1 of 4 stars; one submission).

Conditions:
Intellectual developmental disorder, X-linked 99. Also called: Intellectual disability, X-linked 99. Identifiers: Orphanet 777, MedGen C3806746, MONDO:0010487, OMIM 300919.

Submission:

MVZ Medizinische Genetik Mainz
Classification: Uncertain significance for Intellectual developmental disorder, X-linked 99. Last evaluated: 2025-12-01. Review status: criteria provided, single submitter. Criteria: UK Practice Guidelines For Variant Classification V4 01 2020. Collection method: clinical testing. Allele origin: germline. Inheritance: X-linked dominant inheritance. Affected: yes. Observed: 1 variant allele.
Comment: ACMG Criteria: PM2_SUP,PP2